The following is an entry in ClinVar:

NM_020975.6(RET):c.3050A>C (p.Asp1017Ala)

Gene: RET (ret proto-oncogene; plus strand). Cytogenetic location: 10q11.21.
Variant type: single nucleotide variant.
Coding change: c.3050A>C on transcript NM_020975.6 (MANE Select); coding-DNA position 3050, A replaced by C.
Protein change: p.Asp1017Ala; replaces aspartic acid 1017 with alanine.
Molecular consequence: missense variant.
Genome position (GRCh38, 1-based): chr10:43,126,585, A>C. VCF-style: chr10-43126585-A-C. GRCh37 (hg19) VCF-style: chr10-43622033-A-C.
Other names: c.2060A>C, p.Asp687Ala (NM_001406784.1); c.2033A>C, p.Asp678Ala (NM_001406785.1); c.2024A>C, p.Asp675Ala (NM_001406786.1, NM_001406783.1); c.2018A>C, p.Asp673Ala (NM_001406787.1); c.1865A>C, p.Asp622Ala (NM_001406788.1, NM_001406789.1, NM_001406790.1); c.1745A>C, p.Asp582Ala (NM_001406791.1); c.1601A>C, p.Asp534Ala (NM_001406792.1, NM_001406793.1, NM_001406794.1); c.2525A>C, p.Asp842Ala (NM_001406774.1); and 10 more; short protein forms D1017A, D534A, D673A, D775A, D929A, D974A, D582A, D675A.
Identifiers: ClinVar variation 5028146 (VCV005028146.1).

ClinVar aggregate classification (germline): Uncertain significance (1 of 4 stars; one submission).

Conditions:
Hereditary cancer-predisposing syndrome. Also called: Neoplastic Syndromes, Hereditary; Tumor predisposition; Hereditary neoplastic syndrome; Hereditary Cancer Syndrome. Identifiers: Orphanet 140162, MedGen C0027672, MeSH D009386, MONDO:0015356.

Submission:

Ambry Genetics
Classification: Uncertain significance for Hereditary cancer-predisposing syndrome. Last evaluated: 2026-07-07. Review status: criteria provided, single submitter. Criteria: Ambry Variant Classification Scheme 2023. Collection method: clinical testing. Allele origin: germline.
Comment: The p.D1017A variant (also known as c.3050A>C), located in coding exon 19 of the RET gene, results from an A to C substitution at nucleotide position 3050. The aspartic acid at codon 1017 is replaced by alanine, an amino acid with dissimilar properties. This amino acid position is conserved. In addition, this alteration is predicted to be deleterious by in silico analysis. Based on the available evidence, the clinical significance of this variant remains unclear.